The following is an entry in ClinVar:

ClinVar aggregate classification (germline): Conflicting classifications of pathogenicity. Review status: criteria provided, conflicting classifications (1 of 4 stars). 8 submissions from 8 submitters: Uncertain significance (5); Likely benign (3). Last evaluated 2026-05-06.

Conditions:
TTN-related disorder. Also called: TTN-related disorders; TTN-related condition; TTN-related disease.
Autosomal recessive limb-girdle muscular dystrophy type 2J (LGMDR10). Also called: MUSCULAR DYSTROPHY, LIMB-GIRDLE, AUTOSOMAL RECESSIVE 10; Limb-girdle muscular dystrophy, type 2J. Identifiers: Orphanet 140922, MedGen C1837342, MONDO:0012127, OMIM 608807.
Myopathy, myofibrillar, 9, with early respiratory failure (MFM9). Also called: EDSTROM MYOPATHY; MYOPATHY, PROXIMAL, WITH EARLY RESPIRATORY MUSCLE INVOLVEMENT; Myopathy, distal, with early respiratory failure, autosomal dominant; Hereditary myopathy with early respiratory failure. Identifiers: Orphanet 178464, Orphanet 34521, MedGen C1863599, MONDO:0011362, OMIM 603689.
Dilated cardiomyopathy 1G (CMD1G). Identifiers: Orphanet 154, MedGen C1858763, MONDO:0011400, OMIM 604145.
Early-onset myopathy with fatal cardiomyopathy (CMYO5). Also called: CONGENITAL MYOPATHY 5 WITH CARDIOMYOPATHY; Salih Myopathy. Identifiers: Orphanet 289377, MedGen C2673677, MONDO:0012714, OMIM 611705. Disease mechanism: loss of function.
Hypertrophic cardiomyopathy 9. Also called: Familial hypertrophic cardiomyopathy 9. Identifiers: MedGen C1861065, MONDO:0013412, OMIM 613765.
Tibial muscular dystrophy (TMD). Also called: UDD MYOPATHY; Udd Distal Myopathy – Tibial Muscular Dystrophy; Tibial muscular dystrophy, tardive. Identifiers: Orphanet 609, MedGen C1838244, MONDO:0010870, OMIM 600334.

Allele frequency attached by ClinVar (database versions not stated): gnomAD exomes 0.00007 and 0.00013; TOPMed 0.00008; ESP Exome Variant Server 0.00015; ExAC 0.00002; gnomAD 0.00006.
gnomAD v4.1: 198 of 1,613,038 alleles (0.012%); highest among the groups gnomAD compares: Non-Finnish European, 0.016%; no homozygotes.

Submissions (8):

PreventionGenetics, part of Exact Sciences
Classification: Uncertain significance for TTN-related condition. Last evaluated: 2026-05-06. Review status: criteria provided, single submitter. Criteria: ACMG Guidelines, 2015. Collection method: clinical testing. Allele origin: germline.
Comment: The TTN c.13984A>G variant is predicted to result in the amino acid substitution p.Ile4662Val. This variant is a missense alteration, c.13984A>G (p.Ile4662Val), in an alternate transcript (NM_133379). To our knowledge, this variant has not been reported in the literature. This variant is reported in 0.014% of alleles in individuals of European (Non-Finnish) descent in gnomAD. Although we suspect that this variant may be benign, at this time, the clinical significance of this variant is uncertain due to the absence of conclusive functional and genetic evidence.

CeGaT Center for Human Genetics Tuebingen
Classification: Likely benign. Last evaluated: 2026-02-01. Review status: criteria provided, single submitter. Criteria: CeGaT Center For Human Genetics Tuebingen Variant Classification Criteria Version 2. Collection method: clinical testing. Allele origin: germline. Affected: yes. Observed: 1 variant allele.
Comment: TTN: BP4

Molecular Diagnostic Laboratory for Inherited Cardiovascular Disease, Montreal Heart Institute
Classification: Likely benign. Last evaluated: 2025-04-09. Review status: criteria provided, single submitter. Criteria: ACMG Guidelines, 2015. Collection method: clinical testing. Allele origin: germline. Affected: no.

Blueprint Genetics
Classification: Likely benign. Last evaluated: 2024-11-07. Review status: criteria provided, single submitter. Criteria: ACMG Guidelines, 2015. Collection method: clinical testing. Allele origin: germline.

Fulgent Genetics
Classification: Uncertain significance for Tibial muscular dystrophy; Myopathy, myofibrillar, 9, with early respiratory failure; Dilated cardiomyopathy 1G; Autosomal recessive limb-girdle muscular dystrophy type 2J; Early-onset myopathy with fatal cardiomyopathy; Hypertrophic cardiomyopathy 9. Last evaluated: 2022-03-31. Review status: criteria provided, single submitter. Criteria: ACMG Guidelines, 2015. Collection method: clinical testing. Allele origin: unknown.

Department of Pathology and Laboratory Medicine, Sinai Health System
Classification: Uncertain significance for Tibial muscular dystrophy; Myopathy, myofibrillar, 9, with early respiratory failure; Dilated cardiomyopathy 1G; Autosomal recessive limb-girdle muscular dystrophy type 2J; Early-onset myopathy with fatal cardiomyopathy; Hypertrophic cardiomyopathy 9. Last evaluated: 2020-08-07. Review status: criteria provided, single submitter. Criteria: ACMG Guidelines, 2015. Collection method: research. Allele origin: germline.

Laboratory for Molecular Medicine, Mass General Brigham Personalized Medicine
Classification: Uncertain significance. Last evaluated: 2014-12-17. Review status: criteria provided, single submitter. Criteria: LMM Criteria. Collection method: clinical testing. Allele origin: germline. Observed: 4 variant alleles.
Comment: It has also been identified in 2/67120 European chromo somes by the Exome Aggregation Consortium (ExAC; dbSNP rs374783099). Computational analyses are limited or unavailable for this variant. In summary, the clinical significance of the p.Ile4662Val variant is un certain.

Biesecker Lab/Clinical Genomics Section, National Institutes of Health
Classification: Uncertain significance. Last evaluated: 2013-06-24. Review status: criteria provided, single submitter. Criteria: Ng et al. (Circ Cardiovasc Genet. 2013). Collection method: research. Allele origin: unknown. Observed: 1 variant allele. Study: ClinSeq.
Comment: The study set was not selected for affection status in relation to any cancer. Pathogenicity categories were based on literature curation. See Pubmed ID:23861362 for details.

Medical sequencing

NM_133379.5(TTN):c.13984A>G (p.Ile4662Val)

Genes: TTN (titin; minus strand), LOC126806432 (CDK7 strongly-dependent group 2 enhancer GRCh37_chr2:179611985-179613184; plus strand). Cytogenetic location: 2q31.2.
Variant type: single nucleotide variant.
Coding change: c.13984A>G on transcript NM_133379.5; coding-DNA position 13984, A replaced by G.
Protein change: p.Ile4662Val; replaces isoleucine 4662 with valine.
Molecular consequence: missense variant. On other transcripts: intron variant (6).
Genome position (GRCh38, 1-based): chr2:178,748,416, T>C on the plus strand (A>G on the coding strand, the complement: TTN is on the minus strand). VCF-style: chr2-178748416-T-C. GRCh37 (hg19) VCF-style: chr2-179613143-T-C.
Other names: c.10360+4708A>G (NM_133378.4, NM_001256850.1); c.10222+4708A>G (NM_003319.4); c.10798+4708A>G (NM_133437.4); c.10597+4708A>G (NM_133432.3); c.11311+4708A>G (NM_001267550.2); c.13984A>G (NM_133379.4); short protein forms I4662V.
Identifiers: ClinVar variation 47767 (VCV000047767.14), dbSNP rs374783099, ClinGen allele CA141853.